The following is an entry in ClinVar:

ClinVar aggregate classification (germline): Uncertain significance (1 of 4 stars; one submission).

Conditions:
Autosomal dominant limb-girdle muscular dystrophy type 1G (LGMDD3). Also called: MUSCULAR DYSTROPHY, LIMB-GIRDLE, AUTOSOMAL DOMINANT 3; Limb-girdle muscular dystrophy, type 1G. Identifiers: Orphanet 55596, MedGen C1836765, MONDO:0012193, OMIM 609115.

Submission:

Labcorp Genetics (formerly Invitae), Labcorp
Classification: Uncertain significance for Autosomal dominant limb-girdle muscular dystrophy type 1G. Last evaluated: 2018-11-20. Review status: criteria provided, single submitter. Criteria: Invitae Variant Classification Sherloc (09022015). Collection method: clinical testing. Allele origin: germline.
Comment: This sequence change replaces aspartic acid with glycine at codon 283 of the HNRNPDL protein (p.Asp283Gly). The aspartic acid residue is highly conserved and there is a moderate physicochemical difference between aspartic acid and glycine. This variant is not present in population databases (ExAC no frequency). This variant has not been reported in the literature in individuals with HNRNPDL-related disease. Algorithms developed to predict the effect of missense changes on protein structure and function (SIFT, PolyPhen-2, Align-GVGD) all suggest that this variant is likely to be tolerated, but these predictions have not been confirmed by published functional studies and their clinical significance is uncertain. In summary, the available evidence is currently insufficient to determine the role of this variant in disease. Therefore, it has been classified as a Variant of Uncertain Significance. Algorithms developed to predict the effect of sequence changes on RNA splicing suggest that this variant may create or strengthen a splice site, but this prediction has not been confirmed by published transcriptional studies.

NM_031372.4(HNRNPDL):c.848A>G (p.Asp283Gly)

Gene: HNRNPDL (heterogeneous nuclear ribonucleoprotein D like; minus strand). Cytogenetic location: 4q21.22.
Variant type: single nucleotide variant.
Coding change: c.848A>G on transcript NM_031372.4 (MANE Select); coding-DNA position 848, A replaced by G.
Protein change: p.Asp283Gly; replaces aspartic acid 283 with glycine.
Molecular consequence: missense variant. On other transcripts: non-coding transcript variant (1).
Genome position (GRCh38, 1-based): chr4:82,427,491, T>C on the plus strand (A>G on the coding strand, the complement: HNRNPDL is on the minus strand). VCF-style: chr4-82427491-T-C. GRCh37 (hg19) VCF-style: chr4-83348644-T-C.
Other names: c.848A>G, p.Asp283Gly (NM_001207000.1); short protein forms D283G.
Identifiers: ClinVar variation 664507 (VCV000664507.9), dbSNP rs767608517, ClinGen allele CA357170100.